The following is an entry in ClinVar:

ClinVar aggregate classification (germline): Pathogenic (1 of 4 stars; one submission).

Conditions:
Trichorhinophalangeal dysplasia type I (TRPS1). Also called: TRICHORHINOPHALANGEAL SYNDROME, TYPE I; TRPS I. Identifiers: Orphanet 77258, MedGen C0432233, MONDO:0008596, OMIM 190350.
Trichorhinophalangeal syndrome, type III (TRPS3). Also called: SUGIO-KAJII SYNDROME. Identifiers: Orphanet 77258, MedGen C1860823, OMIM 190351, MONDO:0008597.

Submission:

Labcorp Genetics (formerly Invitae), Labcorp
Classification: Pathogenic for Trichorhinophalangeal syndrome, type III; Trichorhinophalangeal dysplasia type I. Last evaluated: 2023-10-03. Review status: criteria provided, single submitter. Criteria: Invitae Variant Classification Sherloc (09022015). Collection method: clinical testing. Allele origin: germline.
Comment: This sequence change creates a premature translational stop signal (p.Ser797Argfs*10) in the TRPS1 gene. It is expected to result in an absent or disrupted protein product. Loss-of-function variants in TRPS1 are known to be pathogenic (PMID: 11112658). This variant is not present in population databases (gnomAD no frequency). This variant has not been reported in the literature in individuals affected with TRPS1-related conditions. For these reasons, this variant has been classified as Pathogenic.

Literature cited by the submitters: PubMed 11112658.

NM_014112.5(TRPS1):c.2389_2390dup (p.Ser797fs)

Gene: TRPS1 (transcriptional repressor GATA binding 1; minus strand). Cytogenetic location: 8q23.3.
Variant type: Microsatellite.
Coding change: c.2389_2390dup on transcript NM_014112.5 (MANE Select); coding-DNA positions 2389 to 2390, 2 bases duplicated (AG; older notation c.2389_2390dupAG).
Protein change: p.Ser797fs; shifts the reading frame from serine 797.
Molecular consequence: frameshift variant.
Genome position (GRCh38, 1-based): chr8:115,587,311-115,587,312, CT duplicated on the plus strand (AG on the coding strand, the reverse complement: TRPS1 is on the minus strand); duplicating any 2 consecutive bases within chr8:115,587,311-115,587,315 gives the same sequence; the c. name uses the placement nearest the transcript's 3' end. VCF-style (leftmost placement, unchanged base first): chr8-115587310-A-ACT. GRCh37 (hg19) VCF-style: chr8-116599537-A-ACT.
Other names: c.2362_2363dup, p.Ser788fs (NM_001282902.3); c.2368_2369dup, p.Ser790fs (NM_001282903.3); c.2350_2351dup, p.Ser784fs (NM_001330599.2); short protein forms S784fs, S788fs, S790fs, S797fs.
Identifiers: ClinVar variation 2942351 (VCV002942351.3), dbSNP rs2536861390, ClinGen allele CA2740095133.